The following is an entry in ClinVar:

NM_001393504.1(MAST3):c.2510C>T (p.Pro837Leu)

Gene: MAST3 (microtubule associated serine/threonine kinase 3; plus strand). Cytogenetic location: 19p13.11.
Variant type: single nucleotide variant.
Coding change: c.2510C>T on transcript NM_001393504.1 (MANE Select); coding-DNA position 2510, C replaced by T.
Protein change: p.Pro837Leu; replaces proline 837 with leucine.
Molecular consequence: missense variant.
Genome position (GRCh38, 1-based): chr19:18,143,933, C>T. VCF-style: chr19-18143933-C-T. GRCh37 (hg19) VCF-style: chr19-18254743-C-T.
Other names: c.2534C>T, p.Pro845Leu (NM_001393501.1); c.2513C>T, p.Pro838Leu (NM_001393502.1); c.2510C>T, p.Pro837Leu (NM_001393503.1); c.2507C>T, p.Pro836Leu (NM_001393505.1); c.2462C>T, p.Pro821Leu (NM_001393506.1, NM_001393513.1); c.2489C>T, p.Pro830Leu (NM_001393507.1); c.2444C>T, p.Pro815Leu (NM_001393508.1, NM_001393516.1); c.2441C>T, p.Pro814Leu (NM_001393509.1, NM_001393510.1, NM_001393512.1 and 2 more transcripts); and 4 more; short protein forms P799L, P807L, P808L, P813L, P814L, P815L, P821L, P830L.
Identifiers: ClinVar variation 4819561 (VCV004819561.1).
Genomic context (GRCh38, chr19:18,143,933, plus strand): 5'-AGTTTGCCTTCTCATCAGAGGATGAGGGGGTAGGCCCAGGCCCTGCAGGCCCCAAGAGGC[C>T]CGTCTTCATTCTAGGGGAGCCTGACCCCCCACCAGCGGCCACCCCAGTGATGCCCAAGCC-3'
Protein context (NP_001380433.1, residues 827-847): VGPGPAGPKR[Pro837Leu]VFILGEPDPP

ClinVar aggregate classification (germline): Likely benign (1 of 4 stars; one submission).

Conditions:
Developmental and epileptic encephalopathy 108 (DEE108). Identifiers: MedGen C5774253, MONDO:0859314, OMIM 620115.

Submission:

Centre for Medical Genetics,  Mumbai
Classification: Likely benign for Developmental and epileptic encephalopathy 108. Last evaluated: 2026-03-15. Review status: criteria provided, single submitter. Criteria: ACMG Guidelines, 2015. Collection method: provider interpretation. Allele origin: germline. Inheritance: Autosomal dominant inheritance. Affected: no. Observed: 1 variant allele, 1 heterozygote.
Comment: The variant satisfies PM2 criteria; Extremely low frequency in gnomAD population databases. The variant satisfies PP2 criteria; Missense variant in a gene with low rate of benign missense mutations and for which missense mutation is a common mechanism of a disease. The variant satisfies BP4 criteria; For a missense or a splice region variant, computational prediction tools unanimously support a benign effect on the gene. However, the variant satisfies BS2 criteria.

Literature cited by the submitters: PubMed 34185323.